The following is an entry in ClinVar:

ClinVar aggregate classification (germline): Uncertain significance. Review status: criteria provided, multiple submitters, no conflicts (2 of 4 stars). 3 submissions from 3 submitters: Uncertain significance (3). Last evaluated 2024-05-10.

Conditions:
Inborn genetic diseases. Identifiers: MedGen C0950123, MeSH D030342.
Congenital glucose-galactose malabsorption (GGM). Also called: MONOSACCHARIDE MALABSORPTION; DIARRHEA 16. Identifiers: Orphanet 35710, MedGen C0268186, MONDO:0011731, OMIM 606824.

Allele frequency attached by ClinVar (database versions not stated): ExAC 0.00001; gnomAD exomes 0.00002 and 0.00005; gnomAD 0.00004; TOPMed 0.00005; ESP Exome Variant Server 0.00008.
gnomAD v4.1: 71 of 1,604,876 alleles (0.0044%); highest among the groups gnomAD compares: Non-Finnish European, 0.0058%; no homozygotes.

Submissions (3):

Ambry Genetics
Classification: Uncertain significance for Inborn genetic diseases. Last evaluated: 2024-05-10. Review status: criteria provided, single submitter. Criteria: Ambry Variant Classification Scheme 2023. Collection method: clinical testing. Allele origin: germline.

Labcorp Genetics (formerly Invitae), Labcorp
Classification: Uncertain significance for Congenital glucose-galactose malabsorption. Last evaluated: 2021-08-14. Review status: criteria provided, single submitter. Criteria: Invitae Variant Classification Sherloc (09022015). Collection method: clinical testing. Allele origin: germline.
Comment: This sequence change replaces asparagine with aspartic acid at codon 376 of the SLC5A1 protein (p.Asn376Asp). The asparagine residue is highly conserved and there is a small physicochemical difference between asparagine and aspartic acid. This variant is present in population databases (rs200834101, ExAC 0.001%). This variant has not been reported in the literature in individuals affected with SLC5A1-related conditions. ClinVar contains an entry for this variant (Variation ID: 341248). Algorithms developed to predict the effect of missense changes on protein structure and function output the following: SIFT: "Tolerated"; PolyPhen-2: "Benign"; Align-GVGD: "Class C0". The aspartic acid amino acid residue is found in multiple mammalian species, which suggests that this missense change does not adversely affect protein function. In summary, the available evidence is currently insufficient to determine the role of this variant in disease. Therefore, it has been classified as a Variant of Uncertain Significance.

Illumina Laboratory Services, Illumina
Classification: Uncertain significance for Congenital glucose-galactose malabsorption. Last evaluated: 2018-01-13. Review status: criteria provided, single submitter. Criteria: ICSL Variant Classification Criteria 13 December 2019. Collection method: clinical testing. Allele origin: germline.

NM_000343.4(SLC5A1):c.1126A>G (p.Asn376Asp)

Gene: SLC5A1 (solute carrier family 5 member 1; plus strand). Cytogenetic location: 22q12.3.
Variant type: single nucleotide variant.
Coding change: c.1126A>G on transcript NM_000343.4 (MANE Select); coding-DNA position 1126, A replaced by G.
Protein change: p.Asn376Asp; replaces asparagine 376 with aspartic acid.
Molecular consequence: missense variant.
Genome position (GRCh38, 1-based): chr22:32,086,324, A>G. VCF-style: chr22-32086324-A-G. GRCh37 (hg19) VCF-style: chr22-32482311-A-G.
Other names: c.745A>G, p.Asn249Asp (NM_001256314.2); short protein forms N376D, N249D.
Identifiers: ClinVar variation 341248 (VCV000341248.11), dbSNP rs200834101, ClinGen allele CA10198149.